The following is an entry in ClinVar:

NM_014874.4(MFN2):c.445G>A (p.Glu149Lys)

Gene: MFN2 (mitofusin 2; plus strand). Cytogenetic location: 1p36.22.
Variant type: single nucleotide variant.
Coding change: c.445G>A on transcript NM_014874.4 (MANE Select); coding-DNA position 445, G replaced by A.
Protein change: p.Glu149Lys; replaces glutamic acid 149 with lysine.
Molecular consequence: missense variant.
Genome position (GRCh38, 1-based): chr1:11,996,289, G>A. VCF-style: chr1-11996289-G-A. GRCh37 (hg19) VCF-style: chr1-12056346-G-A.
Other names: c.445G>A, p.Glu149Lys (NM_001127660.2); c.445G>A (NM_001127660.1); short protein forms E149K.
Identifiers: ClinVar variation 653774 (VCV000653774.9), dbSNP rs754016178, ClinGen allele CA598823.

ClinVar aggregate classification (germline): Uncertain significance. Review status: criteria provided, multiple submitters, no conflicts (2 of 4 stars). 3 submissions from 3 submitters: Uncertain significance (3). Last evaluated 2026-02-03.

Conditions:
Charcot-Marie-Tooth disease type 2. Also called: Charcot-Marie-Tooth type 2. Identifiers: Orphanet 64746, MedGen C0270914, MONDO:0018993.
Charcot-Marie-Tooth disease type 2A2. Also called: CHARCOT-MARIE-TOOTH DISEASE, AXONAL, TYPE 2A2; HEREDITARY MOTOR AND SENSORY NEUROPATHY IIA2; HMSN IIA2; Charcot-Marie-Tooth Neuropathy Type 2A2; CHARCOT-MARIE-TOOTH DISEASE, NEURONAL, TYPE 2A2; CHARCOT-MARIE-TOOTH DISEASE, AXONAL, AUTOSOMAL DOMINANT, TYPE 2A2A. Identifiers: Orphanet 99947, MedGen C4721887, MONDO:0012231, OMIM 609260.

Allele frequency attached by ClinVar (database versions not stated): ExAC 0.00001; gnomAD exomes 0.00001; gnomAD 0.00002 and 0.00003.
gnomAD v4.1: 14 of 1,614,134 alleles (0.00087%); highest among the groups gnomAD compares: Admixed American, 0.0067%; no homozygotes.

Submissions (3):

Labcorp Genetics (formerly Invitae), Labcorp
Classification: Uncertain significance for Charcot-Marie-Tooth disease type 2. Last evaluated: 2026-02-03. Review status: criteria provided, single submitter. Criteria: Invitae Variant Classification Sherloc (09022015). Collection method: clinical testing. Allele origin: germline.
Comment: This sequence change replaces glutamic acid, which is acidic and polar, with lysine, which is basic and polar, at codon 149 of the MFN2 protein (p.Glu149Lys). This variant is present in population databases (rs754016178, gnomAD 0.003%). This variant has not been reported in the literature in individuals affected with MFN2-related conditions. ClinVar contains an entry for this variant (Variation ID: 653774). Invitae Evidence Modeling of protein sequence and biophysical properties (such as structural, functional, and spatial information, amino acid conservation, physicochemical variation, residue mobility, and thermodynamic stability) has been performed for this missense variant. However, the output from this modeling did not meet the statistical confidence thresholds required to predict the impact of this variant on MFN2 protein function. In summary, the available evidence is currently insufficient to determine the role of this variant in disease. Therefore, it has been classified as a Variant of Uncertain Significance.

Blueprint Genetics
Classification: Uncertain significance. Last evaluated: 2024-01-31. Review status: criteria provided, single submitter. Criteria: ACMG Guidelines, 2015. Collection method: clinical testing. Allele origin: germline.

Neuberg Centre For Genomic Medicine, NCGM
Classification: Uncertain significance for Charcot-Marie-Tooth disease type 2A2. Review status: criteria provided, single submitter. Criteria: ACMG Guidelines, 2015. Collection method: clinical testing. Allele origin: germline. Inheritance: Autosomal dominant inheritance. Affected: yes.
Comment: The missense variant p.E149K in MFN2 (NM_014874.4) has been submitted to ClinVar as a Variant of Uncertain Significance, but no details are available for independent assessment. There is a small physicochemical difference between glutamic acid and lysine, which is not likely to impact secondary protein structure as these residues share similar properties. The p.E149K missense variant is predicted to be damaging by both SIFT and PolyPhen2. The nucleotide c.445 in MFN2 is predicted conserved by GERP++ and PhyloP across 100 vertebrates. For these reasons, this variant has been classified as Uncertain Significance.